The following is an entry in ClinVar:

NM_000091.5(COL4A3):c.2684G>A (p.Gly895Asp)

Genes: COL4A3 (collagen type IV alpha 3 chain; plus strand), MFF-DT (MFF divergent transcript; minus strand). Cytogenetic location: 2q36.3.
Variant type: single nucleotide variant.
Coding change: c.2684G>A on transcript NM_000091.5 (MANE Select); coding-DNA position 2684, G replaced by A.
Protein change: p.Gly895Asp; replaces glycine 895 with aspartic acid.
Molecular consequence: missense variant.
Genome position (GRCh38, 1-based): chr2:227,283,794, G>A. VCF-style: chr2-227283794-G-A. GRCh37 (hg19) VCF-style: chr2-228148510-G-A.
Other names: short protein forms G895D.
Identifiers: ClinVar variation 522432 (VCV000522432.6), dbSNP rs1553760558, ClinGen allele CA350851148.

ClinVar aggregate classification (germline): Likely pathogenic. Review status: criteria provided, multiple submitters, no conflicts (2 of 4 stars). 4 submissions from 4 submitters: Likely pathogenic (2). 2 of the submissions do not count toward it. Last evaluated 2026-05-12.

Conditions:
COL4A3-related disorder. Also called: COL4A3-related condition; COL4A3-Related Disorders.
Alport syndrome. Also called: Hemorrhagic familial nephritis; Hemorrhagic hereditary nephritis; Congenital hereditary hematuria. Identifiers: Orphanet 63, MedGen C1567741, MONDO:0018965.
Alport syndrome 3b, autosomal recessive. Identifiers: MedGen C5882699, MONDO:0957811, OMIM 620536.
Hematuria, benign familial, 2 (BFH2). Identifiers: MedGen C5830421, MONDO:0958186, OMIM 620320.
Autosomal dominant Alport syndrome (ATS3A). Also called: Alport syndrome dominant type; Renal failure and sensorineural hearing loss; ALPORT SYNDROME 3A, AUTOSOMAL DOMINANT. Identifiers: Orphanet 63, Orphanet 88918, MedGen C5882663, MONDO:0007086, OMIM 104200.

Allele frequency attached by ClinVar (database versions not stated): gnomAD exomes below 0.00001.
gnomAD v4.1: 1 of 1,614,172 alleles (0.000062%); highest among the groups gnomAD compares: Non-Finnish European, 0.000085%; no homozygotes.

Submissions (4):

Myriad Genetics, Inc.
Classification: Likely pathogenic for Alport syndrome. Last evaluated: 2026-05-12. Review status: criteria provided, single submitter. Criteria: Myriad Autosomal Dominant, Autosomal Recessive and X-Linked Classification Criteria (2023). Collection method: clinical testing. Allele origin: unknown.
Comment: NM_000091.4(COL4A3):c.2684G>A(G895D) is a missense variant classified as likely pathogenic in the context of Alport syndrome, COL4A3-related. G895D has been observed in a case with relevant disease (PMID: 40004525). Relevant functional assessments of this variant are not available in the literature. Internal structural analysis of the variant is supportive of pathogenicity. G895D has not been observed in referenced population frequency databases. In summary, NM_000091.4(COL4A3):c.2684G>A(G895D) is a missense variant that has internal structural support for pathogenicity and has been observed more frequently in cases with the relevant disease than in healthy populations. Please note: this variant was assessed in the context of healthy population screening.

Fulgent Genetics
Classification: Likely pathogenic for Autosomal dominant Alport syndrome; Hematuria, benign familial, 2; Alport syndrome 3b, autosomal recessive. Last evaluated: 2024-05-17. Review status: criteria provided, single submitter. Criteria: ACMG Guidelines, 2015. Collection method: clinical testing. Allele origin: germline.

PreventionGenetics, part of Exact Sciences
Classification: Likely pathogenic for COL4A3-related condition. Last evaluated: 2023-12-11. Review status: no assertion criteria provided. Collection method: clinical testing. Allele origin: germline. Not counted in ClinVar's aggregate classification.
Comment: The COL4A3 c.2684G>A variant is predicted to result in the amino acid substitution p.Gly895Asp. The p.Gly895 residue is located in the conserved triple helical domain, where substitutions of glycine are usually pathogenic (UniProt residues 43-1438, Hudson et al. 1993. PubMed ID: 8253711). To our knowledge, this variant has not been reported in the literature or in a large population database, indicating this variant is rare. This variant is interpreted as likely pathogenic.

Bioscientia Institut fuer Medizinische Diagnostik GmbH, Sonic Healthcare
Classification: Likely pathogenic for Autosomal dominant Alport syndrome. Last evaluated: 2017-09-18. Review status: no assertion criteria provided. Collection method: clinical testing. Allele origin: germline. Affected: yes. Not counted in ClinVar's aggregate classification.

Literature cited by the submitters: PubMed 40004525 (cited by Myriad Genetics, Inc.).